The following is an entry in ClinVar:

NM_001103146.3(GIGYF2):c.171+4A>G

Gene: GIGYF2 (GRB10 interacting GYF protein 2; plus strand). Cytogenetic location: 2q37.1.
Variant type: single nucleotide variant.
Coding change: c.171+4A>G on transcript NM_001103146.3 (MANE Select); 4 bases into the intron after coding-DNA position 171, A replaced by G.
Molecular consequence: intron variant.
Genome position (GRCh38, 1-based): chr2:232,747,748, A>G. VCF-style: chr2-232747748-A-G. GRCh37 (hg19) VCF-style: chr2-233612458-A-G.
Other names: c.171+4A>G (NM_015575.4, NM_001103147.2, NM_001103148.2).
Identifiers: ClinVar variation 2635532 (VCV002635532.1), dbSNP rs760666722, ClinGen allele CA2169771.

ClinVar aggregate classification (germline): Uncertain significance (1 of 4 stars; one submission).

Conditions:
GIGYF2-related disorder. Also called: GIGYF2-related condition.

Allele frequency attached by ClinVar (database versions not stated): gnomAD exomes below 0.00001; ExAC 0.00001; TOPMed 0.00001.
gnomAD v4.1: 6 of 1,613,176 alleles (0.00037%); highest among the groups gnomAD compares: East Asian, 0.0022%; no homozygotes.

Submission:

PreventionGenetics, part of Exact Sciences
Classification: Uncertain significance for GIGYF2-related condition. Last evaluated: 2023-04-14. Review status: criteria provided, single submitter. Criteria: ACMG Guidelines, 2015. Collection method: clinical testing. Allele origin: germline.
Comment: The GIGYF2 c.171+4A>G variant is predicted to interfere with splicing. This variant is predicted to alter splicing based on available splicing prediction programs (Alamut Visual Plus v1.6.1). However, the use of computer prediction programs is not equivalent to functional evidence. To our knowledge, this variant has not been reported in the literature. This variant is reported in 0.00088% of alleles in individuals of European (Non-Finnish) descent in gnomAD. At this time, the clinical significance of this variant is uncertain due to the absence of conclusive functional and genetic evidence.